The following is an entry in ClinVar:

ClinVar aggregate classification (germline): Uncertain significance. Review status: criteria provided, multiple submitters, no conflicts (2 of 4 stars). 2 submissions from 2 submitters: Uncertain significance (2). Last evaluated 2024-12-10.

Conditions:
Lethal multiple pterygium syndrome (LMPS). Identifiers: Orphanet 33108, MedGen C1854678, MONDO:0009668, OMIM 253290.

Allele frequency attached by ClinVar (database versions not stated): gnomAD exomes 0.00001; ExAC 0.00002.
gnomAD v4.1: 8 of 1,614,198 alleles (0.0005%); highest among the groups gnomAD compares: South Asian, 0.0077%; no homozygotes.

Submissions (2):

Revvity Omics, Revvity
Classification: Uncertain significance. Last evaluated: 2024-12-10. Review status: criteria provided, single submitter. Criteria: ACMG Guidelines, 2015. Collection method: clinical testing. Allele origin: germline.

Labcorp Genetics (formerly Invitae), Labcorp
Classification: Uncertain significance for Lethal multiple pterygium syndrome. Last evaluated: 2020-11-14. Review status: criteria provided, single submitter. Criteria: Invitae Variant Classification Sherloc (09022015). Collection method: clinical testing. Allele origin: germline.
Comment: This sequence change replaces serine with phenylalanine at codon 149 of the CHRND protein (p.Ser149Phe). The serine residue is highly conserved and there is a large physicochemical difference between serine and phenylalanine. This variant is present in population databases (rs762904291, ExAC 0.02%). This variant has not been reported in the literature in individuals with CHRND-related conditions. Algorithms developed to predict the effect of missense changes on protein structure and function are either unavailable or do not agree on the potential impact of this missense change (SIFT: "Deleterious"; PolyPhen-2: "Probably Damaging"; Align-GVGD: "Class C0"). In summary, the available evidence is currently insufficient to determine the role of this variant in disease. Therefore, it has been classified as a Variant of Uncertain Significance.

NM_000751.3(CHRND):c.446C>T (p.Ser149Phe)

Gene: CHRND (cholinergic receptor nicotinic delta subunit; plus strand). Cytogenetic location: 2q37.1.
Variant type: single nucleotide variant.
Coding change: c.446C>T on transcript NM_000751.3 (MANE Select); coding-DNA position 446, C replaced by T.
Protein change: p.Ser149Phe; replaces serine 149 with phenylalanine.
Molecular consequence: missense variant.
Genome position (GRCh38, 1-based): chr2:232,528,593, C>T. VCF-style: chr2-232528593-C-T. GRCh37 (hg19) VCF-style: chr2-233393303-C-T.
Other names: c.401C>T, p.Ser134Phe (NM_001256657.2); c.175C>T, p.Pro59Ser (NM_001311195.2); c.143C>T, p.Ser48Phe (NM_001311196.2); short protein forms P59S, S149F, S134F, S48F.
Identifiers: ClinVar variation 1354388 (VCV001354388.9), dbSNP rs762904291, ClinGen allele CA2168030.
Genomic context (GRCh38, chr2:232,528,593, plus strand): 5'-GCAACGTGCTTGTCTACCACTACGGCTTCGTGTACTGGCTGCCACCTGCCATCTTCCGCT[C>T]CTCCTGCCCCATCTCTGTCACCTATTTCCCCTTCGACTGGCAGAACTGCTCCCTCAAGTT-3'
Protein context (NP_000742.1, residues 139-159): VYWLPPAIFR[Ser149Phe]SCPISVTYFP